The following is an entry in ClinVar:

ClinVar aggregate classification (germline): Pathogenic (1 of 4 stars; one submission).

Conditions:
Hereditary cancer-predisposing syndrome. Also called: Neoplastic Syndromes, Hereditary; Tumor predisposition; Hereditary neoplastic syndrome; Hereditary Cancer Syndrome. Identifiers: Orphanet 140162, MedGen C0027672, MeSH D009386, MONDO:0015356.

Submission:

Ambry Genetics
Classification: Pathogenic for Hereditary cancer-predisposing syndrome. Last evaluated: 2023-11-29. Review status: criteria provided, single submitter. Criteria: Ambry Variant Classification Scheme 2023. Collection method: clinical testing. Allele origin: germline.
Comment: The c.1662_1667delGGTAAAinsTT pathogenic mutation, located in coding exon 10 of the ATM gene, results from the deletion of 6 nucleotides and insertion of two nucleotides causing a translational frameshift with a predicted alternate stop codon (p.V555*). This variant is considered to be rare based on population cohorts in the Genome Aggregation Database (gnomAD). This alteration is expected to result in loss of function by premature protein truncation or nonsense-mediated mRNA decay. As such, this alteration is interpreted as a disease-causing mutation.

NM_000051.4(ATM):c.1662_1667delinsTT (p.Thr554_Val555insTer)

Gene: ATM (ATM serine/threonine kinase; plus strand). Cytogenetic location: 11q22.3.
Variant type: Indel.
Coding change: c.1662_1667delinsTT on transcript NM_000051.4 (MANE Select); coding-DNA positions 1662 to 1667, GGTAAA replaced by TT.
Protein change: p.Thr554_Val555insTer.
Molecular consequence: frameshift variant.
Genome position (GRCh38, 1-based): chr11:108,251,891-108,251,896, GGTAAA replaced by TT. VCF-style: chr11-108251891-GGTAAA-TT. GRCh37 (hg19) VCF-style: chr11-108122618-GGTAAA-TT.
Other names: c.1662_1667delinsTT, p.Thr554_Val555insTer (NM_001351834.2).
Identifiers: ClinVar variation 3232159 (VCV003232159.1), dbSNP rs2497268794, ClinGen allele CA2825001792.